The following is an entry in ClinVar:

NM_000158.4(GBE1):c.350T>C (p.Leu117Pro)

Gene: GBE1 (1,4-alpha-glucan branching enzyme 1; minus strand). Cytogenetic location: 3p12.2.
Variant type: single nucleotide variant.
Coding change: c.350T>C on transcript NM_000158.4 (MANE Select); coding-DNA position 350, T replaced by C.
Protein change: p.Leu117Pro; replaces leucine 117 with proline.
Molecular consequence: missense variant.
Genome position (GRCh38, 1-based): chr3:81,670,917, A>G on the plus strand (T>C on the coding strand, the complement: GBE1 is on the minus strand). VCF-style: chr3-81670917-A-G. GRCh37 (hg19) VCF-style: chr3-81720068-A-G.
Other names: short protein forms L117P.
Identifiers: ClinVar variation 733683 (VCV000733683.15), dbSNP rs186942296, ClinGen allele CA2499995.

ClinVar aggregate classification (germline): Conflicting classifications of pathogenicity. Review status: criteria provided, conflicting classifications (1 of 4 stars). 5 submissions from 5 submitters: Uncertain significance (2); Likely benign (1). 2 of the submissions do not count toward it. Last evaluated 2026-01-27.

Conditions:
GBE1-related disorder. Also called: GBE1-related condition; GBE1-related disorders. Identifiers: MedGen CN239402.
Glycogen storage disease, type IV (GSD4). Also called: AMYLOPECTINOSIS; ANDERSEN DISEASE; BRANCHER DEFICIENCY; CIRRHOSIS, FAMILIAL, WITH DEPOSITION OF ABNORMAL GLYCOGEN; GBE1 DEFICIENCY; GLYCOGEN BRANCHING ENZYME DEFICIENCY. Identifiers: Orphanet 367, MedGen C0017923, MONDO:0009292, OMIM 232500.
Glycogen storage disease IV, classic hepatic. Also called: GSD IV, CLASSIC HEPATIC. Identifiers: MedGen C1856301.

Allele frequency attached by ClinVar (database versions not stated): gnomAD exomes 0.00006 and 0.00016; ExAC 0.00043; gnomAD 0.00060 and 0.00063; TOPMed 0.00072; ESP Exome Variant Server 0.00085; 1000 Genomes Project 0.00120; 1000 Genomes Project 30x 0.00141.
gnomAD v4.1: 173 of 1,573,896 alleles (0.011%); highest among the groups gnomAD compares: African/African-American, 0.22%; no homozygotes.

Submissions (5):

Labcorp Genetics (formerly Invitae), Labcorp
Classification: Likely benign for Glycogen storage disease, type IV; Glycogen storage disease IV, classic hepatic. Last evaluated: 2026-01-27. Review status: criteria provided, single submitter. Criteria: Invitae Variant Classification Sherloc (09022015). Collection method: clinical testing. Allele origin: germline.

Blueprint Genetics
Classification: Uncertain significance. Last evaluated: 2024-08-26. Review status: criteria provided, single submitter. Criteria: ACMG Guidelines, 2015. Collection method: clinical testing. Allele origin: germline.

GeneDx
Classification: Uncertain significance. Last evaluated: 2021-10-25. Review status: criteria provided, single submitter. Criteria: GeneDx Variant Classification Process June 2021. Collection method: clinical testing. Allele origin: germline. Affected: yes.
Comment: In silico analysis supports that this missense variant does not alter protein structure/function; Has not been previously published as pathogenic or benign to our knowledge

PreventionGenetics, part of Exact Sciences
Classification: Likely benign for GBE1-related condition. Last evaluated: 2024-01-24. Review status: no assertion criteria provided. Collection method: clinical testing. Allele origin: germline. Not counted in ClinVar's aggregate classification.
Comment: This variant is classified as likely benign based on ACMG/AMP sequence variant interpretation guidelines (Richards et al. 2015 PMID: 25741868, with internal and published modifications).

Natera, Inc.
Classification: Likely benign for Glycogen storage disease type IV. Last evaluated: 2020-09-16. Review status: no assertion criteria provided. Collection method: clinical testing. Allele origin: germline. Not counted in ClinVar's aggregate classification.